The following is an entry in ClinVar:

ClinVar aggregate classification (germline): Pathogenic/Likely pathogenic. Review status: criteria provided, multiple submitters, no conflicts (2 of 4 stars). 3 submissions from 3 submitters: Pathogenic (1); Likely pathogenic (2). Last evaluated 2026-01-15.

Conditions:
Upshaw-Schulman syndrome (TTP). Also called: THROMBOTIC THROMBOCYTOPENIC PURPURA, HEREDITARY; Congenital thrombotic thrombocytopenic purpura. Identifiers: Orphanet 93583, MedGen C1268935, MONDO:0010122, OMIM 274150.

Allele frequency attached by ClinVar (database versions not stated): gnomAD exomes 0.00002; gnomAD 0.00005; TOPMed 0.00005.

Submissions (3):

Labcorp Genetics (formerly Invitae), Labcorp
Classification: Pathogenic. Last evaluated: 2026-01-15. Review status: criteria provided, single submitter. Criteria: Invitae Variant Classification Sherloc (09022015). Collection method: clinical testing. Allele origin: germline.
Comment: This sequence change creates a premature translational stop signal (p.Ala261Profs*11) in the ADAMTS13 gene. It is expected to result in an absent or disrupted protein product. Loss-of-function variants in ADAMTS13 are known to be pathogenic (PMID: 11586351, 12753286, 21781265). This variant is present in population databases (no rsID available, gnomAD 0.007%). This variant has not been reported in the literature in individuals affected with ADAMTS13-related conditions. ClinVar contains an entry for this variant (Variation ID: 2912892). For these reasons, this variant has been classified as Pathogenic.

Variantyx, Inc.
Classification: Likely pathogenic for Upshaw-Schulman syndrome. Last evaluated: 2025-11-24. Review status: criteria provided, single submitter. Criteria: Variantyx Assertion Criteria 2022. Collection method: clinical testing. Allele origin: germline. Inheritance: Autosomal recessive inheritance.
Comment: This is a frameshift variant in the ADAMTS13 gene (OMIM: 604134). Pathogenic variants in this gene have been associated with autosomal recessive hereditary thrombotic thrombocytopenic purpura. This variant introduces a premature termination codon in exon 7 out of 29 and is expected to result in loss of function, which is a known disease mechanism for ADAMTS13 in this disorder (PMID: 12753286, 11586351) (PVS1). This variant has a 0.0076% maximum allele frequency in non-founder control populations (PM2). Based on the current evidence, this variant is classified as likely pathogenic for autosomal recessive hereditary thrombotic thrombocytopenic purpura.

Fulgent Genetics
Classification: Likely pathogenic for Upshaw-Schulman syndrome. Last evaluated: 2024-04-18. Review status: criteria provided, single submitter. Criteria: ACMG Guidelines, 2015. Collection method: clinical testing. Allele origin: germline.

Literature cited by the submitters: PubMed 11586351 (cited by Labcorp Genetics (formerly Invitae), Labcorp and Variantyx, Inc.); PubMed 12753286 (cited by Labcorp Genetics (formerly Invitae), Labcorp and Variantyx, Inc.); PubMed 21781265 (cited by Labcorp Genetics (formerly Invitae), Labcorp).

NM_139027.6(ADAMTS13):c.781del (p.Ala261fs)

Gene: ADAMTS13 (ADAM metallopeptidase with thrombospondin type 1 motif 13; plus strand). Cytogenetic location: 9q34.2.
Variant type: Deletion.
Coding change: c.781del on transcript NM_139027.6 (MANE Select); coding-DNA position 781, one base deleted (G; older notation c.781delG).
Protein change: p.Ala261fs; shifts the reading frame from alanine 261.
Molecular consequence: frameshift variant.
Genome position (GRCh38, 1-based): chr9:133,428,728, G deleted. VCF-style (leftmost placement, unchanged base first): chr9-133428727-CG-C. GRCh37 (hg19) VCF-style: chr9-136293847-CG-C.
Other names: c.781delG, p.Ala261Profs (NM_139025.4); c.781del, p.Ala261fs (NM_139025.5, NM_139026.6); c.781del (NM_139025.4); short protein forms A261fs.
Identifiers: ClinVar variation 2912892 (VCV002912892.4), dbSNP rs903245146, ClinGen allele CA200923984.